The following is an entry in ClinVar:

NM_000352.6(ABCC8):c.945C>T (p.Ala315=)

Gene: ABCC8 (ATP binding cassette subfamily C member 8; minus strand). Cytogenetic location: 11p15.1.
Variant type: single nucleotide variant.
Coding change: c.945C>T on transcript NM_000352.6 (MANE Select); coding-DNA position 945, C replaced by T.
Protein change: p.Ala315=; no amino-acid change (alanine 315 retained).
Molecular consequence: synonymous variant. On other transcripts: non-coding transcript variant (1).
Genome position (GRCh38, 1-based): chr11:17,460,554, G>A on the plus strand (C>T on the coding strand, the complement: ABCC8 is on the minus strand). VCF-style: chr11-17460554-G-A. GRCh37 (hg19) VCF-style: chr11-17482101-G-A.
Other names: c.945C>T (NM_000352.3); c.945C>T, p.Ala315= (NM_001287174.3, NM_001351295.2); c.942C>T, p.Ala314= (NM_001351296.2, NM_001351297.2).
Identifiers: ClinVar variation 730708 (VCV000730708.19), dbSNP rs138521721, ClinGen allele CA5903719.
Genomic context (GRCh38, chr11:17,460,554, plus strand): 5'-CTGGAAGACGTCGTTCTCCTTCCCAAGGTGGTCCACGATCCCAAAGATGCACAGTGGCCC[G>A]GCGAAGCCCAGCAGGTCGGCCAAGATGCGGAAAGTGCTGCTGAGGACCAGGCGCCTCCCG-3'
Protein context (NP_000343.2, residues 305-325): FRILADLLGF[Ala315=]GPLCIFGIVD

ClinVar aggregate classification (germline): Conflicting classifications of pathogenicity. Review status: criteria provided, conflicting classifications (1 of 4 stars). 8 submissions from 7 submitters: Uncertain significance (2); Benign (1); Likely benign (4). 1 of the submissions does not count toward it. Last evaluated 2026-02-04.

Conditions:
Transitory neonatal diabetes mellitus. Also called: Transient neonatal diabetes mellitus. Identifiers: MedGen C0342273, MONDO:0020525, HP:0008255.
Maturity-onset diabetes of the young (MODY). Also called: Maturity onset diabetes mellitus in young. Identifiers: Orphanet 552, MedGen C0342276, MONDO:0018911, HP:0004904.
Hereditary hyperinsulinism.
Inborn genetic diseases. Identifiers: MedGen C0950123, MeSH D030342.

Allele frequency attached by ClinVar (database versions not stated): gnomAD exomes 0.00012 and 0.00035; ExAC 0.00048; 1000 Genomes Project 30x 0.00141; ESP Exome Variant Server 0.00146; gnomAD 0.00159 and 0.00173; 1000 Genomes Project 0.00160; TOPMed 0.00176.
gnomAD v4.1: 424 of 1,614,018 alleles (0.026%); highest among the groups gnomAD compares: African/African-American, 0.53%; 1 homozygote.

Submissions (8):

Labcorp Genetics (formerly Invitae), Labcorp
Classification: Benign. Last evaluated: 2026-02-04. Review status: criteria provided, single submitter. Criteria: Invitae Variant Classification Sherloc (09022015). Collection method: clinical testing. Allele origin: germline.

Blueprint Genetics
Classification: Likely benign. Last evaluated: 2024-10-22. Review status: criteria provided, single submitter. Criteria: ACMG Guidelines, 2015. Collection method: clinical testing. Allele origin: germline.

Women's Health and Genetics/Laboratory Corporation of America, LabCorp
Classification: Likely benign. Last evaluated: 2024-02-23. Review status: criteria provided, single submitter. Criteria: LabCorp Variant Classification Summary - May 2015. Collection method: clinical testing. Allele origin: germline.

Ambry Genetics
Classification: Likely benign for Inborn genetic diseases. Last evaluated: 2023-06-23. Review status: criteria provided, single submitter. Criteria: Ambry Variant Classification Scheme 2023. Collection method: clinical testing. Allele origin: germline.

Genetic Services Laboratory, University of Chicago
Classification: Likely benign. Last evaluated: 2021-12-13. Review status: criteria provided, single submitter. Criteria: ACMG Guidelines, 2015. Collection method: clinical testing. Allele origin: germline. Affected: no.

Clinical Genomics, Uppaluri K&H Personalized Medicine Clinic
Classification: Uncertain significance for Transitory neonatal diabetes mellitus. Review status: criteria provided, single submitter. Criteria: K & H Uppaluri Personalized Medicine Clinic Variant Classification & Assertion Criteria_Updated V.1. Collection method: research. Allele origin: unknown.
Comment: Mutations in ABCC8 gene are associated with both neonatal diabetes mellitus as well as MODY. Patients with this mutation may have a better response to sulfonylureas. However, no sufficient evidence is found to ascertain the role of this particular variant ( rs138521721) in neonatal diabetes yet.

Clinical Genomics, Uppaluri K&H Personalized Medicine Clinic
Classification: Uncertain significance for Maturity-onset diabetes of the young. Review status: criteria provided, single submitter. Criteria: K & H Uppaluri Personalized Medicine Clinic Variant Classification & Assertion Criteria_Updated V.1. Collection method: research. Allele origin: unknown. Inheritance: Autosomal dominant inheritance.
Comment: Mutations in ABCC8 gene are associated with both neonatal diabetes mellitus as well as MODY. Patients with this mutation may have a better response to sulfonylureas. However, no sufficient evidence is found to ascertain the role of this particular variant ( rs138521721) in MODY yet.

Natera, Inc.
Classification: Likely benign for Hereditary hyperinsulinism. Last evaluated: 2019-10-25. Review status: no assertion criteria provided. Collection method: clinical testing. Allele origin: germline. Not counted in ClinVar's aggregate classification.

Literature cited by the submitters: PubMed 10338089 (cited by Women's Health and Genetics/Laboratory Corporation of America, LabCorp); PubMed 8923011 (cited by Women's Health and Genetics/Laboratory Corporation of America, LabCorp); PubMed 16885549 (cited by Clinical Genomics, Uppaluri K&H Personalized Medicine Clinic); PubMed 21989597 (cited by Clinical Genomics, Uppaluri K&H Personalized Medicine Clinic); PubMed 27538677 (cited by Clinical Genomics, Uppaluri K&H Personalized Medicine Clinic); PubMed 18981553 (cited by Clinical Genomics, Uppaluri K&H Personalized Medicine Clinic); PubMed 32027066 (cited by Clinical Genomics, Uppaluri K&H Personalized Medicine Clinic); PubMed 16613899 (cited by Clinical Genomics, Uppaluri K&H Personalized Medicine Clinic); PubMed 18025408 (cited by Clinical Genomics, Uppaluri K&H Personalized Medicine Clinic); PubMed 32792356 (cited by Clinical Genomics, Uppaluri K&H Personalized Medicine Clinic).